The following is an entry in ClinVar:

ClinVar aggregate classification (germline): Uncertain significance. Review status: criteria provided, multiple submitters, no conflicts (2 of 4 stars). 7 submissions from 6 submitters: Uncertain significance (7). Last evaluated 2024-11-18.

Conditions:
Histiocytic medullary reticulosis. Also called: SEVERE COMBINED IMMUNODEFICIENCY WITH HYPEREOSINOPHILIA; Omenn syndrome. Identifiers: Orphanet 39041, MedGen C2700553, MONDO:0011338, OMIM 603554.
Severe combined immunodeficiency due to DCLRE1C deficiency (RS-SCID). Also called: SCID, AUTOSOMAL RECESSIVE, T CELL-NEGATIVE, B CELL-NEGATIVE, NK CELL-POSITIVE, WITH SENSITIVITY TO IONIZING RADIATION. Identifiers: Orphanet 275, MedGen C1865371, MONDO:0011225, OMIM 602450.

Allele frequency attached by ClinVar (database versions not stated): ESP Exome Variant Server 0.00008; gnomAD exomes 0.00010 and 0.00014; gnomAD 0.00015 and 0.00014; TOPMed 0.00015; ExAC 0.00016; 1000 Genomes Project 0.00040.
gnomAD v4.1: 176 of 1,613,720 alleles (0.011%); highest among the groups gnomAD compares: East Asian, 0.17%; no homozygotes.

Submissions (7):

Labcorp Genetics (formerly Invitae), Labcorp
Classification: Uncertain significance for Athabaskan severe combined immunodeficiency. Last evaluated: 2024-11-18. Review status: criteria provided, single submitter. Criteria: Invitae Variant Classification Sherloc (09022015). Collection method: clinical testing. Allele origin: germline.
Comment: This sequence change replaces glutamic acid, which is acidic and polar, with valine, which is neutral and non-polar, at codon 462 of the DCLRE1C protein (p.Glu462Val). This variant is present in population databases (rs115250914, gnomAD 0.08%). This variant has not been reported in the literature in individuals affected with DCLRE1C-related conditions. ClinVar contains an entry for this variant (Variation ID: 468482). An algorithm developed to predict the effect of missense changes on protein structure and function (PolyPhen-2) suggests that this variant is likely to be disruptive. In summary, the available evidence is currently insufficient to determine the role of this variant in disease. Therefore, it has been classified as a Variant of Uncertain Significance.

Blueprint Genetics
Classification: Uncertain significance. Last evaluated: 2024-09-16. Review status: criteria provided, single submitter. Criteria: ACMG Guidelines, 2015. Collection method: clinical testing. Allele origin: germline.

Revvity Omics, Revvity
Classification: Uncertain significance. Last evaluated: 2024-01-16. Review status: criteria provided, single submitter. Criteria: ACMG Guidelines, 2015. Collection method: clinical testing. Allele origin: germline.

Fulgent Genetics
Classification: Uncertain significance for Severe combined immunodeficiency due to DCLRE1C deficiency; Histiocytic medullary reticulosis. Last evaluated: 2021-11-24. Review status: criteria provided, single submitter. Criteria: ACMG Guidelines, 2015. Collection method: clinical testing. Allele origin: unknown.

Genome-Nilou Lab
Classification: Uncertain significance for Histiocytic medullary reticulosis. Last evaluated: 2021-07-14. Review status: criteria provided, single submitter. Criteria: ACMG Guidelines, 2015. Collection method: clinical testing. Allele origin: germline. Affected: no.

Genome-Nilou Lab
Classification: Uncertain significance for Severe combined immunodeficiency due to DCLRE1C deficiency. Last evaluated: 2021-07-14. Review status: criteria provided, single submitter. Criteria: ACMG Guidelines, 2015. Collection method: clinical testing. Allele origin: germline. Affected: no.

Breakthrough Genomics
Classification: Uncertain significance. Review status: criteria provided, single submitter. Criteria: ACMG Guidelines, 2015. Collection method: not provided. Allele origin: germline. Inheritance: Autosomal recessive inheritance. Affected: yes.

NM_001033855.3(DCLRE1C):c.1385A>T (p.Glu462Val)

Gene: DCLRE1C (DNA cross-link repair 1C; minus strand). Cytogenetic location: 10p13.
Variant type: single nucleotide variant.
Coding change: c.1385A>T on transcript NM_001033855.3 (MANE Select); coding-DNA position 1385, A replaced by T.
Protein change: p.Glu462Val; replaces glutamic acid 462 with valine.
Molecular consequence: missense variant. On other transcripts: non-coding transcript variant (4).
Genome position (GRCh38, 1-based): chr10:14,909,102, T>A on the plus strand (A>T on the coding strand, the complement: DCLRE1C is on the minus strand). VCF-style: chr10-14909102-T-A. GRCh37 (hg19) VCF-style: chr10-14951101-T-A.
Other names: c.1025A>T, p.Glu342Val (NM_001033857.3, NM_001033858.3, NM_001289077.2 and 2 more transcripts); c.1040A>T, p.Glu347Val (NM_001289076.2, NM_001289078.2, NM_001350966.2 and 1 more transcripts); c.1385A>T, p.Glu462Val (NM_001350965.2); short protein forms E462V, E347V, E342V.
Identifiers: ClinVar variation 468482 (VCV000468482.12), dbSNP rs115250914, ClinGen allele CA5416487.